The following is an entry in ClinVar:

NM_015910.7(WDPCP):c.2133G>A (p.Leu711=)

Gene: WDPCP (WD repeat containing planar cell polarity effector; minus strand). Cytogenetic location: 2p15.
Variant type: single nucleotide variant.
Coding change: c.2133G>A on transcript NM_015910.7 (MANE Select); coding-DNA position 2133, G replaced by A.
Protein change: p.Leu711=; no amino-acid change (leucine 711 retained).
Molecular consequence: synonymous variant. On other transcripts: non-coding transcript variant (3).
Genome position (GRCh38, 1-based): chr2:63,153,520, C>T on the plus strand (G>A on the coding strand, the complement: WDPCP is on the minus strand). VCF-style: chr2-63153520-C-T. GRCh37 (hg19) VCF-style: chr2-63380655-C-T.
Other names: c.1656G>A, p.Leu552= (NM_001042692.3); c.2061G>A, p.Leu687= (NM_001354044.2).
Identifiers: ClinVar variation 4993767 (VCV004993767.1).

ClinVar aggregate classification (germline): Uncertain significance (1 of 4 stars; one submission).

Conditions:
WDPCP-related disorder. Also called: WDPCP-related condition.

gnomAD v4.1: 1 of 1,612,612 alleles (0.000062%); highest among the groups gnomAD compares: Non-Finnish European, 0.000085%; no homozygotes.

Submission:

PreventionGenetics, part of Exact Sciences
Classification: Uncertain significance for WDPCP-related condition. Last evaluated: 2025-09-03. Review status: criteria provided, single submitter. Criteria: ACMG Guidelines, 2015. Collection method: clinical testing. Allele origin: germline.
Comment: The WDPCP c.2133G>A variant is not predicted to result in an amino acid change (p.=). To our knowledge, this variant has not been reported in the literature. This variant is reported in 0.00089% of alleles in individuals of European (Non-Finnish) descent in gnomAD. At this time, the clinical significance of this variant is uncertain due to the absence of conclusive functional and genetic evidence.